The following is an entry in ClinVar:

NM_018109.4(MTPAP):c.424A>G (p.Ile142Val)

Gene: MTPAP (mitochondrial poly(A) polymerase; minus strand). Cytogenetic location: 10p11.23.
Variant type: single nucleotide variant.
Coding change: c.424A>G on transcript NM_018109.4 (MANE Select); coding-DNA position 424, A replaced by G.
Protein change: p.Ile142Val; replaces isoleucine 142 with valine.
Molecular consequence: missense variant.
Genome position (GRCh38, 1-based): chr10:30,340,357, T>C on the plus strand (A>G on the coding strand, the complement: MTPAP is on the minus strand). VCF-style: chr10-30340357-T-C. GRCh37 (hg19) VCF-style: chr10-30629286-T-C.
Other names: c.424A>G (NM_018109.3); short protein forms I142V.
Identifiers: ClinVar variation 1948026 (VCV001948026.6), dbSNP rs961958168, ClinGen allele CA205284242.

ClinVar aggregate classification (germline): Uncertain significance. Review status: criteria provided, multiple submitters, no conflicts (2 of 4 stars). 2 submissions from 2 submitters: Uncertain significance (2). Last evaluated 2025-10-02.

Conditions:
Inborn genetic diseases. Identifiers: MedGen C0950123, MeSH D030342.

Allele frequency attached by ClinVar (database versions not stated): gnomAD 0.00001; gnomAD exomes 0.00001; TOPMed 0.00001.

Submissions (2):

Ambry Genetics
Classification: Uncertain significance for Inborn genetic diseases. Last evaluated: 2025-10-02. Review status: criteria provided, single submitter. Criteria: Ambry Variant Classification Scheme 2023. Collection method: clinical testing. Allele origin: germline.

Labcorp Genetics (formerly Invitae), Labcorp
Classification: Uncertain significance. Last evaluated: 2022-08-06. Review status: criteria provided, single submitter. Criteria: Invitae Variant Classification Sherloc (09022015). Collection method: clinical testing. Allele origin: germline.
Comment: This sequence change replaces isoleucine, which is neutral and non-polar, with valine, which is neutral and non-polar, at codon 142 of the MTPAP protein (p.Ile142Val). This variant is present in population databases (no rsID available, gnomAD 0.0009%). This variant has not been reported in the literature in individuals affected with MTPAP-related conditions. Algorithms developed to predict the effect of missense changes on protein structure and function output the following: SIFT: "Tolerated"; PolyPhen-2: "Benign"; Align-GVGD: "Class C0". The valine amino acid residue is found in multiple mammalian species, which suggests that this missense change does not adversely affect protein function. In summary, the available evidence is currently insufficient to determine the role of this variant in disease. Therefore, it has been classified as a Variant of Uncertain Significance.